The following is an entry in ClinVar:

NM_018714.3(COG1):c.1221G>C (p.Leu407=)

Genes: COG1 (component of oligomeric golgi complex 1; plus strand), LOC126862634 (CDK7 strongly-dependent group 2 enhancer GRCh37_chr17:71195948-71197147; plus strand). Cytogenetic location: 17q25.1.
Variant type: single nucleotide variant.
Coding change: c.1221G>C on transcript NM_018714.3 (MANE Select); coding-DNA position 1221, G replaced by C.
Protein change: p.Leu407=; no amino-acid change (leucine 407 retained).
Molecular consequence: synonymous variant.
Genome position (GRCh38, 1-based): chr17:73,200,716, G>C. VCF-style: chr17-73200716-G-C. GRCh37 (hg19) VCF-style: chr17-71196855-G-C.
Identifiers: ClinVar variation 2648174 (VCV002648174.24), dbSNP rs2145097158, ClinGen allele CA501716370.

ClinVar aggregate classification (germline): Likely benign (1 of 4 stars; one submission).

Submission:

CeGaT Center for Human Genetics Tuebingen
Classification: Likely benign. Last evaluated: 2023-03-01. Review status: criteria provided, single submitter. Criteria: CeGaT Center For Human Genetics Tuebingen Variant Classification Criteria Version 2. Collection method: clinical testing. Allele origin: germline. Affected: yes. Observed: 1 variant allele.
Comment: COG1: PM2:Supporting, BP4, BP7